The following is an entry in ClinVar:

ClinVar aggregate classification (germline): Uncertain significance (1 of 4 stars; one submission).

gnomAD v4.1: 1 of 1,608,730 alleles (0.000062%); highest among the groups gnomAD compares: Non-Finnish European, 0.000085%; no homozygotes.

Submission:

Labcorp Genetics (formerly Invitae), Labcorp
Classification: Uncertain significance. Last evaluated: 2023-08-07. Review status: criteria provided, single submitter. Criteria: Invitae Variant Classification Sherloc (09022015). Collection method: clinical testing. Allele origin: germline.
Comment: In summary, the available evidence is currently insufficient to determine the role of this variant in disease. Therefore, it has been classified as a Variant of Uncertain Significance. Advanced modeling of protein sequence and biophysical properties (such as structural, functional, and spatial information, amino acid conservation, physicochemical variation, residue mobility, and thermodynamic stability) performed at Invitae indicates that this missense variant is not expected to disrupt COL11A1 protein function. This variant has not been reported in the literature in individuals affected with COL11A1-related conditions. This variant is not present in population databases (gnomAD no frequency). This sequence change replaces proline, which is neutral and non-polar, with threonine, which is neutral and polar, at codon 1317 of the COL11A1 protein (p.Pro1317Thr).

NM_001854.4(COL11A1):c.3949C>A (p.Pro1317Thr)

Gene: COL11A1 (collagen type XI alpha 1 chain; minus strand). Cytogenetic location: 1p21.1.
Variant type: single nucleotide variant.
Coding change: c.3949C>A on transcript NM_001854.4 (MANE Select); coding-DNA position 3949, C replaced by A.
Protein change: p.Pro1317Thr; replaces proline 1317 with threonine.
Molecular consequence: missense variant. On other transcripts: non-coding transcript variant (1).
Genome position (GRCh38, 1-based): chr1:102,914,381, G>T on the plus strand (C>A on the coding strand, the complement: COL11A1 is on the minus strand). VCF-style: chr1-102914381-G-T. GRCh37 (hg19) VCF-style: chr1-103379937-G-T.
Other names: c.3601C>A, p.Pro1201Thr (NM_001168249.1, NM_080630.4); c.3832C>A, p.Pro1278Thr (NM_001190709.2); c.3985C>A, p.Pro1329Thr (NM_080629.3); short protein forms P1278T, P1317T, P1201T, P1329T.
Identifiers: ClinVar variation 2751024 (VCV002751024.3), dbSNP rs1190686816, ClinGen allele CA341160936.